The following is an entry in ClinVar:

ClinVar aggregate classification (germline): Conflicting classifications of pathogenicity. Review status: criteria provided, conflicting classifications (1 of 4 stars). 3 submissions from 3 submitters: Uncertain significance (2); Likely benign (1). Last evaluated 2025-10-13.

Conditions:
Hereditary breast ovarian cancer syndrome. Also called: Breast and ovarian cancer; Hereditary breast and ovarian cancer syndrome (HBOC); BRCA1- and BRCA2-Associated Hereditary Breast and Ovarian Cancer; Hereditary breast and/or ovarian cancer syndrome; Hereditary breast and ovarian cancer syndrome; Hereditary breast and ovarian cancer. Identifiers: Orphanet 145, MedGen C0677776, MeSH D061325, MONDO:0003582. Disease mechanism: loss of function.
Breast-ovarian cancer, familial, susceptibility to, 2 (BROVCA2). Also called: BRCA2 Hereditary Breast and Ovarian Cancer. Identifiers: Orphanet 145, MedGen C2675520, MONDO:0012933, OMIM 612555. Disease mechanism: loss of function.
Hereditary cancer-predisposing syndrome. Also called: Neoplastic Syndromes, Hereditary; Hereditary neoplastic syndrome; Tumor predisposition; Hereditary Cancer Syndrome. Identifiers: Orphanet 140162, MedGen C0027672, MeSH D009386, MONDO:0015356.

Submissions (3):

Labcorp Genetics (formerly Invitae), Labcorp
Classification: Uncertain significance for Hereditary breast ovarian cancer syndrome. Last evaluated: 2025-10-13. Review status: criteria provided, single submitter. Criteria: Invitae Variant Classification Sherloc (09022015). Collection method: clinical testing. Allele origin: germline.
Comment: This sequence change replaces arginine, which is basic and polar, with glycine, which is neutral and non-polar, at codon 1131 of the BRCA2 protein (p.Arg1131Gly). This variant is not present in population databases (gnomAD no frequency). This missense change has been observed in individual(s) with breast cancer (PMID: 28993434). ClinVar contains an entry for this variant (Variation ID: 836901). Invitae Evidence Modeling of protein sequence and biophysical properties (such as structural, functional, and spatial information, amino acid conservation, physicochemical variation, residue mobility, and thermodynamic stability) indicates that this missense variant is not expected to disrupt BRCA2 protein function with a negative predictive value of 95%. In summary, the available evidence is currently insufficient to determine the role of this variant in disease. Therefore, it has been classified as a Variant of Uncertain Significance.

All of Us Research Program, National Institutes of Health
Classification: Uncertain significance for Breast-ovarian cancer, familial, susceptibility to, 2. Last evaluated: 2023-06-28. Review status: criteria provided, single submitter. Criteria: ACMG Guidelines, 2015. Collection method: clinical testing. Allele origin: germline. Inheritance: Autosomal dominant inheritance. Observed: 1 variant allele, 1 heterozygote.
Comment: This study involves interpretation of variants in research participants for the purpose of population health screening. Participant phenotype was not available at the time of variant classification. Additional details can be found in publication PMID: 35346344, PMCID: PMC8962531

University of Washington Department of Laboratory Medicine, University of Washington
Classification: Likely benign for Hereditary cancer-predisposing syndrome. Last evaluated: 2023-03-23. Review status: criteria provided, single submitter. Criteria: Dines et al. (Genet Med. 2020). Collection method: curation. Allele origin: germline.
Comment: Missense variant in a coldspot region where missense variants are very unlikely to be pathogenic (PMID:31911673).

BRCA2 exon 11 coldspot. Reclassification based on statistical prior probability.

Literature cited by the submitters: PubMed 28993434 (cited by Labcorp Genetics (formerly Invitae), Labcorp).

NM_000059.4(BRCA2):c.3391A>G (p.Arg1131Gly)

Gene: BRCA2 (BRCA2 DNA repair associated; plus strand). Cytogenetic location: 13q13.1.
Variant type: single nucleotide variant.
Coding change: c.3391A>G on transcript NM_000059.4 (MANE Select); coding-DNA position 3391, A replaced by G.
Protein change: p.Arg1131Gly; replaces arginine 1131 with glycine.
Molecular consequence: missense variant.
Genome position (GRCh38, 1-based): chr13:32,337,746, A>G. VCF-style: chr13-32337746-A-G. GRCh37 (hg19) VCF-style: chr13-32911883-A-G.
Other names: short protein forms R1131G.
Identifiers: ClinVar variation 836901 (VCV000836901.12), dbSNP rs2072479150, ClinGen allele CA387776450.